The following is an entry in ClinVar:

ClinVar aggregate classification (germline): Uncertain significance (1 of 4 stars; one submission).

Conditions:
Inborn genetic diseases. Identifiers: MedGen C0950123, MeSH D030342.

Submission:

Ambry Genetics
Classification: Uncertain significance for Inborn genetic diseases. Last evaluated: 2026-08-03. Review status: criteria provided, single submitter. Criteria: Ambry Variant Classification Scheme 2023. Collection method: clinical testing. Allele origin: germline.
Comment: The p.P1156S variant (also known as c.3466C>T), located in coding exon 32 of the RTEL1 gene, results from a C to T substitution at nucleotide position 3466. The proline at codon 1156 is replaced by serine, an amino acid with similar properties. This amino acid position is conserved. In addition, this alteration is predicted to be tolerated by in silico analysis. Based on the available evidence, the clinical significance of this variant remains unclear.

NM_001283009.2(RTEL1):c.3466C>T (p.Pro1156Ser)

Genes: RTEL1 (regulator of telomere elongation helicase 1; plus strand), RTEL1-TNFRSF6B (RTEL1-TNFRSF6B readthrough (NMD candidate); plus strand). Cytogenetic location: 20q13.33.
Variant type: single nucleotide variant.
Coding change: c.3466C>T on transcript NM_001283009.2 (MANE Select); coding-DNA position 3466, C replaced by T.
Protein change: p.Pro1156Ser; replaces proline 1156 with serine.
Molecular consequence: missense variant. On other transcripts: non-coding transcript variant (1).
Genome position (GRCh38, 1-based): chr20:63,695,188, C>T. VCF-style: chr20-63695188-C-T. GRCh37 (hg19) VCF-style: chr20-62326541-C-T.
Other names: c.2797C>T, p.Pro933Ser (NM_001283010.1); c.3466C>T, p.Pro1156Ser (NM_016434.4); c.3538C>T, p.Pro1180Ser (NM_032957.5); short protein forms P1180S, P1156S, P933S.
Identifiers: ClinVar variation 5028502 (VCV005028502.1).